The following is an entry in ClinVar:

ClinVar aggregate classification (germline): Uncertain significance (1 of 4 stars; one submission).

Conditions:
Familial adenomatous polyposis 2. Also called: Adenomas, multiple colorectal; COLORECTAL ADENOMATOUS POLYPOSIS, AUTOSOMAL RECESSIVE; ADENOMAS, MULTIPLE COLORECTAL, AUTOSOMAL RECESSIVE; FAP type 2; MUTYH Polyposis; MYH-associated polyposis. Identifiers: Orphanet 220460, Orphanet 247798, MedGen C3272841, MONDO:0012041, OMIM 608456.

Submission:

Labcorp Genetics (formerly Invitae), Labcorp
Classification: Uncertain significance for Familial adenomatous polyposis 2. Last evaluated: 2023-07-25. Review status: criteria provided, single submitter. Criteria: Invitae Variant Classification Sherloc (09022015). Collection method: clinical testing. Allele origin: unknown.
Comment: Experimental studies and prediction algorithms are not available or were not evaluated, and the functional significance of this variant is currently unknown. This variant has not been reported in the literature in individuals affected with MUTYH-related conditions. This variant results in a copy number gain of the genomic region encompassing exon(s) 10-16 of the MUTYH gene. This region includes the termination codon of the gene. This copy number gain extends beyond the assayed region for this gene and therefore may encompass additional genes. As the precise location of this event is unknown, it may be in tandem or it may be located elsewhere in the genome. In summary, the available evidence is currently insufficient to determine the role of this variant in disease. Therefore, it has been classified as a Variant of Uncertain Significance.

NC_000001.10:g.(?_45794978)_(45797992_?)dup

Gene: MUTYH (mutY DNA glycosylase; minus strand). Cytogenetic location: 1p34.1.
Variant type: Duplication.
Identifiers: ClinVar variation 3247745 (VCV003247745.1).